The following is an entry in ClinVar:

NM_025081.3(NYNRIN):c.4342G>A (p.Gly1448Ser)

Gene: NYNRIN (NYN domain and retroviral integrase containing; plus strand). Cytogenetic location: 14q12.
Variant type: single nucleotide variant.
Coding change: c.4342G>A on transcript NM_025081.3 (MANE Select); coding-DNA position 4342, G replaced by A.
Protein change: p.Gly1448Ser; replaces glycine 1448 with serine.
Molecular consequence: missense variant.
Genome position (GRCh38, 1-based): chr14:24,416,091, G>A. VCF-style: chr14-24416091-G-A. GRCh37 (hg19) VCF-style: chr14-24885297-G-A.
Other names: short protein forms G1448S.
Identifiers: ClinVar variation 4813172 (VCV004813172.1).
Genomic context (GRCh38, chr14:24,416,091, plus strand): 5'-TACCGAACCTCCTACCGGGGCTCTCTGTTTGCTGTGACAGTGGACACCCTGGCCAAGCAG[G>A]GTGCCCAGGGGGGTGGGCAGTGGTGGAGTTTGCCAAAGGATGTGCCAGCCCCTACAGTGA-3'
Protein context (NP_079357.2, residues 1438-1458): AVTVDTLAKQ[Gly1448Ser]AQGGGQWWSL

ClinVar aggregate classification (germline): Uncertain significance (1 of 4 stars; one submission).

Conditions:
Predisposition to Wilms tumor.

gnomAD v4.1: 1 of 1,614,000 alleles (0.000062%); highest among the groups gnomAD compares: Admixed American, 0.0017%; no homozygotes.

Submission:

St. Jude Molecular Pathology, St. Jude Children's Research Hospital
Classification: Uncertain significance for Predisposition to Wilms tumor. Last evaluated: 2026-02-20. Review status: criteria provided, single submitter. Criteria: St. Jude Assertion Criteria 2020. Collection method: clinical testing. Allele origin: germline.
Comment: The NYNRIN c.4342G>A p.(Gly1448Ser) missense change has a maximum subpopulation frequency of 0.12% in gnomAD v2.1.1. The in silico tool REVEL predicts a benign effect on protein function, but to our knowledge this prediction has not been confirmed by functional studies. To our knowledge, this variant has not been reported in individuals with Wilms tumor. In summary, the evidence currently available is insufficient to determine the clinical significance of this variant. It has therefore been classified as of uncertain significance.